The following is an entry in ClinVar:

ClinVar aggregate classification (germline): Pathogenic/Likely pathogenic. Review status: criteria provided, multiple submitters, no conflicts (2 of 4 stars). 2 submissions from 2 submitters: Pathogenic (1); Likely pathogenic (1). Last evaluated 2026-02-01.

Conditions:
Lynch syndrome 5 (LYNCH5). Also called: Colorectal cancer, hereditary nonpolyposis, type 5; Hereditary non-polyposis colorectal cancer, type 5. Identifiers: Orphanet 144, MedGen C1833477, MONDO:0013710, OMIM 614350. Disease mechanism: loss of function.

Submissions (2):

CeGaT Center for Human Genetics Tuebingen
Classification: Pathogenic. Last evaluated: 2026-02-01. Review status: criteria provided, single submitter. Criteria: CeGaT Center For Human Genetics Tuebingen Variant Classification Criteria Version 2. Collection method: clinical testing. Allele origin: germline. Affected: yes. Observed: 2 variant alleles.
Comment: MSH6: PVS1, PM2, PM3:Supporting

Human Genetics Bochum, Ruhr University Bochum
Classification: Likely pathogenic for Lynch syndrome 5. Last evaluated: 2023-02-02. Review status: criteria provided, single submitter. Criteria: ACMG Guidelines, 2015. Collection method: clinical testing. Allele origin: germline. Affected: yes.
Comment: ACMG criteria used to clasify this variant: PVS1, PM2_SUP

NM_000179.3(MSH6):c.691del (p.Val231fs)

Gene: MSH6 (mutS homolog 6; plus strand). Cytogenetic location: 2p16.3.
Variant type: Deletion.
Coding change: c.691del on transcript NM_000179.3 (MANE Select); coding-DNA position 691, one base deleted (G; older notation c.691delG).
Protein change: p.Val231fs; shifts the reading frame from valine 231.
Molecular consequence: frameshift variant. On other transcripts: 5 prime UTR variant (9), non-coding transcript variant (4), intron variant (1).
Genome position (GRCh38, 1-based): chr2:47,798,674, G deleted. VCF-style (leftmost placement, unchanged base first): chr2-47798673-AG-A. GRCh37 (hg19) VCF-style: chr2-48025812-AG-A.
Other names: c.691del, p.Val231fs (NM_001406796.1, NM_001406798.1, NM_001406800.1 and 4 more transcripts); c.394del, p.Val132fs (NM_001406797.1, NM_001406801.1, NM_001406805.1 and 10 more transcripts); c.166del, p.Val56fs (NM_001406799.1, NM_001406806.1, NM_001406807.1); c.787del, p.Val263fs (NM_001406802.1, NM_001406795.1); c.613del, p.Val205fs (NM_001406804.1); c.-216del (NM_001406811.1, NM_001406812.1, NM_001406814.1 and 6 more transcripts); c.697del, p.Val233fs (NM_001406813.1); c.301del, p.Val101fs (NM_001281492.2); and 2 more; short protein forms V101fs, V132fs, V175fs, V205fs, V231fs, V233fs, V263fs, V56fs.
Identifiers: ClinVar variation 2583145 (VCV002583145.6), dbSNP rs2530565991, ClinGen allele CA2582342389.
Genomic context (GRCh38, chr2:47,798,673, plus strand): 5'-AGGCACAACTTACGTAACAGATAAGAGTGAAGAAGATAATGAAATTGAGAGTGAAGAGGA[AG>A]TACAGCCTAAGACACAAGGATCTAGGCGAAGTAGCCGCCAAATAAAAAAACGAAGGGTCA-3'